The following is an entry in ClinVar:

ClinVar aggregate classification (germline): Conflicting classifications of pathogenicity. Review status: criteria provided, conflicting classifications (1 of 4 stars). 6 submissions from 4 submitters: Uncertain significance (1); Benign (1); Likely benign (4). Last evaluated 2025-10-03.

Conditions:
Hereditary cancer-predisposing syndrome. Also called: Neoplastic Syndromes, Hereditary; Tumor predisposition; Hereditary Cancer Syndrome; Hereditary neoplastic syndrome. Identifiers: Orphanet 140162, MedGen C0027672, MeSH D009386, MONDO:0015356.
Hyperparathyroidism 1 (HRPT1). Also called: HYPERPARATHYROIDISM, FAMILIAL ISOLATED PRIMARY. Identifiers: Orphanet 99879, MedGen C1840402, MONDO:0007767, OMIM 145000.
Hyperparathyroidism 2 with jaw tumors. Also called: Hyperparathyroidism 2; Hyperparathyroidism-Jaw Tumor Syndrome; HYPERPARATHYROIDISM, FAMILIAL PRIMARY, WITH MULTIPLE OSSIFYING JAW FIBROMAS; HYPERPARATHYROIDISM-JAW TUMOR SYNDROME, HEREDITARY. Identifiers: Orphanet 99880, MedGen C1704981, MONDO:0007768, OMIM 145001.
Parathyroid carcinoma (PRTC). Also called: CDC73-Related Parathyroid Carcinoma; Parathyroid gland carcinoma. Identifiers: Orphanet 143, MedGen C0687150, MONDO:0012004, OMIM 608266, HP:0006780.

Allele frequency attached by ClinVar (database versions not stated): gnomAD exomes 0.00001; TOPMed 0.00002; ExAC 0.00003; gnomAD 0.00001; ESP Exome Variant Server 0.00008.
gnomAD v4.1: 19 of 1,613,092 alleles (0.0012%); highest among the groups gnomAD compares: Non-Finnish European, 0.0014%; no homozygotes.

Submissions (6):

Labcorp Genetics (formerly Invitae), Labcorp
Classification: Likely benign for Parathyroid carcinoma. Last evaluated: 2025-10-03. Review status: criteria provided, single submitter. Criteria: Invitae Variant Classification Sherloc (09022015). Collection method: clinical testing. Allele origin: germline.

Ambry Genetics
Classification: Likely benign for Hereditary cancer-predisposing syndrome. Last evaluated: 2022-03-16. Review status: criteria provided, single submitter. Criteria: Ambry Variant Classification Scheme 2023. Collection method: clinical testing. Allele origin: germline.

GeneDx
Classification: Likely benign. Last evaluated: 2018-02-14. Review status: criteria provided, single submitter. Criteria: GeneDx Variant Classification (06012015). Collection method: clinical testing. Allele origin: germline. Affected: yes.
Comment: This variant is considered likely benign or benign based on one or more of the following criteria: it is a conservative change, it occurs at a poorly conserved position in the protein, it is predicted to be benign by multiple in silico algorithms, and/or has population frequency not consistent with disease.

Illumina Laboratory Services, Illumina
Classification: Benign for Hyperparathyroidism 2 with jaw tumors. Last evaluated: 2018-01-13. Review status: criteria provided, single submitter. Criteria: ICSL Variant Classification Criteria 13 December 2019. Collection method: clinical testing. Allele origin: germline.
Comment: This variant was observed in the ICSL laboratory as part of a predisposition screen in an ostensibly healthy population. It had not been previously curated by ICSL or reported in the Human Gene Mutation Database (HGMD: prior to June 1st, 2018), and was therefore a candidate for classification through an automated scoring system. Utilizing variant allele frequency, disease prevalence and penetrance estimates, and inheritance mode, an automated score was calculated to assess if this variant is too frequent to cause the disease. Based on the score and internal cut-off values, a variant classified as benign is not then subjected to further curation. The score for this variant resulted in a classification of benign for this disease.

Illumina Laboratory Services, Illumina
Classification: Likely benign for Parathyroid carcinoma. Last evaluated: 2018-01-13. Review status: criteria provided, single submitter. Criteria: ICSL Variant Classification Criteria 13 December 2019. Collection method: clinical testing. Allele origin: germline.
Comment: This variant was observed in the ICSL laboratory as part of a predisposition screen in an ostensibly healthy population. It had not been previously curated by ICSL or reported in the Human Gene Mutation Database (HGMD: prior to June 1st, 2018), and was therefore a candidate for classification through an automated scoring system. Utilizing variant allele frequency, disease prevalence and penetrance estimates, and inheritance mode, an automated score was calculated to assess if this variant is too frequent to cause the disease. Based on the score and internal cut-off values, a variant classified as likely benign is not then subjected to further curation. The score for this variant resulted in a classification of likely benign for this disease.

Illumina Laboratory Services, Illumina
Classification: Uncertain significance for Hyperparathyroidism 1. Last evaluated: 2018-01-13. Review status: criteria provided, single submitter. Criteria: ICSL Variant Classification Criteria 13 December 2019. Collection method: clinical testing. Allele origin: germline.

NM_024529.5(CDC73):c.534A>G (p.Ser178=)

Gene: CDC73 (cell division cycle 73; plus strand). Cytogenetic location: 1q31.2.
Variant type: single nucleotide variant.
Coding change: c.534A>G on transcript NM_024529.5 (MANE Select); coding-DNA position 534, A replaced by G.
Protein change: p.Ser178=; no amino-acid change (serine 178 retained).
Molecular consequence: synonymous variant.
Genome position (GRCh38, 1-based): chr1:193,141,871, A>G. VCF-style: chr1-193141871-A-G. GRCh37 (hg19) VCF-style: chr1-193111001-A-G.
Identifiers: ClinVar variation 515469 (VCV000515469.18), dbSNP rs150365980, ClinGen allele CA1303421.